The following is an entry in ClinVar:

ClinVar aggregate classification (germline): Benign (1 of 4 stars; one submission).

Submission:

CeGaT Center for Human Genetics Tuebingen
Classification: Benign. Last evaluated: 2026-07-01. Review status: criteria provided, single submitter. Criteria: CeGaT Center For Human Genetics Tuebingen Variant Classification Criteria Version 2. Collection method: clinical testing. Allele origin: germline. Affected: yes. Observed: 2 variant alleles.
Comment: NPM1: BP4, BS1, BS2

NM_002520.7(NPM1):c.772-575G>A

Gene: NPM1 (nucleophosmin 1; plus strand). Cytogenetic location: 5q35.1.
Variant type: single nucleotide variant.
Coding change: c.772-575G>A on transcript NM_002520.7 (MANE Select); 575 bases into the intron before coding-DNA position 772, G replaced by A.
Molecular consequence: intron variant. On other transcripts: 3 prime UTR variant (2).
Genome position (GRCh38, 1-based): chr5:171,407,125, G>A. VCF-style: chr5-171407125-G-A. GRCh37 (hg19) VCF-style: chr5-170834129-G-A.
Other names: c.*720G>A (NM_001037738.3, NM_001355009.2); c.772-575G>A (NM_001355006.2); c.685-575G>A (NM_199185.4); c.580-575G>A (NM_001355007.2); c.391-575G>A (NM_001355010.2).
Identifiers: ClinVar variation 4874144 (VCV004874144.2).
Genomic context (GRCh38, chr5:171,407,125, plus strand): 5'-TTTGAAGGAAATGGTGAGAGTGATTAGAGAAGTGTAATTACTGTAATTTTTTCCCCTATT[G>A]TAGTTTCTTGCCTGTATCCATAATTTGAAGGAAATGGTAAGAGTGATTAGTGAAATGTAA-3'